The following is an entry in ClinVar:

NM_000152.5(GAA):c.1714C>T (p.His572Tyr)

Gene: GAA (alpha glucosidase; plus strand). Cytogenetic location: 17q25.3.
Variant type: single nucleotide variant.
Coding change: c.1714C>T on transcript NM_000152.5 (MANE Select); coding-DNA position 1714, C replaced by T.
Protein change: p.His572Tyr; replaces histidine 572 with tyrosine.
Molecular consequence: missense variant.
Genome position (GRCh38, 1-based): chr17:80,112,060, C>T. VCF-style: chr17-80112060-C-T. GRCh37 (hg19) VCF-style: chr17-78085859-C-T.
Other names: c.1714C>T, p.His572Tyr (NM_001079803.3, NM_001079804.3, NM_001406741.1 and 1 more transcripts); short protein forms H572Y.
Identifiers: ClinVar variation 2891554 (VCV002891554.3), dbSNP rs2510378879, ClinGen allele CA401369051.

ClinVar aggregate classification (germline): Likely pathogenic (1 of 4 stars; one submission).

Conditions:
Glycogen storage disease, type II (IOPD). Also called: Glucosidase acid-1,4-alpha deficiency; CARDIOMEGALIA GLYCOGENICA DIFFUSA; GLYCOGENOSIS, GENERALIZED, CARDIAC FORM; GSD II; POMPE DISEASE, INFANTILE-ONSET; GLYCOGEN STORAGE DISEASE II, INFANTILE-ONSET. Identifiers: Orphanet 365, MedGen C0017921, MONDO:0009290, OMIM 232300.

Submission:

Labcorp Genetics (formerly Invitae), Labcorp
Classification: Likely pathogenic for Glycogen storage disease, type II. Last evaluated: 2023-05-01. Review status: criteria provided, single submitter. Criteria: Invitae Variant Classification Sherloc (09022015). Collection method: clinical testing. Allele origin: germline.
Comment: In summary, the currently available evidence indicates that the variant is pathogenic, but additional data are needed to prove that conclusively. Therefore, this variant has been classified as Likely Pathogenic. This variant disrupts the p.His572 amino acid residue in GAA. Other variant(s) that disrupt this residue have been observed in individuals with GAA-related conditions (PMID: 31086307, 33301762), which suggests that this may be a clinically significant amino acid residue. Advanced modeling of protein sequence and biophysical properties (such as structural, functional, and spatial information, amino acid conservation, physicochemical variation, residue mobility, and thermodynamic stability) performed at Invitae indicates that this missense variant is expected to disrupt GAA protein function. This variant has not been reported in the literature in individuals affected with GAA-related conditions. This variant is not present in population databases (gnomAD no frequency). This sequence change replaces histidine, which is basic and polar, with tyrosine, which is neutral and polar, at codon 572 of the GAA protein (p.His572Tyr).

Literature cited by the submitters: PubMed 31086307; PubMed 33301762.